The following is an entry in ClinVar:

ClinVar aggregate classification (germline): Pathogenic (1 of 4 stars; one submission).

Conditions:
Walker-Warburg congenital muscular dystrophy. Also called: Muscular dystrophy-dystroglycanopathy, type A; Walker-Warburg syndrome. Identifiers: Orphanet 899, MedGen C0265221, MONDO:0000171.

Submission:

Labcorp Genetics (formerly Invitae), Labcorp
Classification: Pathogenic for Walker-Warburg congenital muscular dystrophy. Last evaluated: 2022-08-06. Review status: criteria provided, single submitter. Criteria: Invitae Variant Classification Sherloc (09022015). Collection method: clinical testing. Allele origin: germline.
Comment: For these reasons, this variant has been classified as Pathogenic. This variant has not been reported in the literature in individuals affected with FKTN-related conditions. This variant is not present in population databases (gnomAD no frequency). This sequence change creates a premature translational stop signal (p.Tyr210*) in the FKTN gene. It is expected to result in an absent or disrupted protein product. Loss-of-function variants in FKTN are known to be pathogenic (PMID: 17044012, 17878207, 18752264).

Literature cited by the submitters: PubMed 17044012; PubMed 17878207; PubMed 18752264.

NM_001079802.2(FKTN):c.630T>A (p.Tyr210Ter)

Gene: FKTN (fukutin; plus strand). Cytogenetic location: 9q31.2.
Variant type: single nucleotide variant.
Coding change: c.630T>A on transcript NM_001079802.2 (MANE Select); coding-DNA position 630, T replaced by A.
Protein change: p.Tyr210Ter; replaces tyrosine 210 with a stop codon.
Molecular consequence: nonsense. On other transcripts: non-coding transcript variant (2).
Genome position (GRCh38, 1-based): chr9:105,604,475, T>A. VCF-style: chr9-105604475-T-A. GRCh37 (hg19) VCF-style: chr9-108366756-T-A.
Other names: c.630T>A, p.Tyr210Ter (NM_001198963.2, NM_001351496.2, NM_001351498.2 and 1 more transcripts); c.561T>A, p.Tyr187Ter (NM_001351497.2); c.234T>A, p.Tyr78Ter (NM_001351499.2, NM_001351500.2, NM_001351501.2 and 1 more transcripts); short protein forms Y78*, Y187*, Y210*.
Identifiers: ClinVar variation 2018600 (VCV002018600.4), dbSNP rs2539414072, ClinGen allele CA374332407.